The following is an entry in ClinVar:

ClinVar aggregate classification (germline): Likely benign. Review status: criteria provided, multiple submitters, no conflicts (2 of 4 stars). 3 submissions from 3 submitters: Likely benign (2). 1 of the submissions does not count toward it. Last evaluated 2025-02-16.

Conditions:
IL6ST-related disorder. Also called: IL6ST-related condition.

Submissions (3):

Laboratory of Genetics, Children's Clinical University Hospital Latvia
Classification: Likely benign. Last evaluated: 2025-02-16. Review status: criteria provided, single submitter. Criteria: ACMG Guidelines, 2015. Collection method: clinical testing. Allele origin: germline. Affected: yes.

Blueprint Genetics
Classification: Likely benign. Last evaluated: 2024-11-22. Review status: criteria provided, single submitter. Criteria: ACMG Guidelines, 2015. Collection method: clinical testing. Allele origin: germline.

PreventionGenetics, part of Exact Sciences
Classification: Likely benign for IL6ST-related condition. Last evaluated: 2024-09-25. Review status: no assertion criteria provided. Collection method: clinical testing. Allele origin: germline. Not counted in ClinVar's aggregate classification.
Comment: This variant is classified as likely benign based on ACMG/AMP sequence variant interpretation guidelines (Richards et al. 2015 PMID: 25741868, with internal and published modifications).

NM_002184.4(IL6ST):c.1841-7_1841-4dup

Gene: IL6ST (interleukin 6 cytokine family signal transducer; minus strand). Cytogenetic location: 5q11.2.
Variant type: Duplication.
Coding change: c.1841-7_1841-4dup on transcript NM_002184.4 (MANE Select); 7 bases into the intron before coding-DNA position 1841 through 4 bases into the intron before coding-DNA position 1841, 4 bases duplicated (TTTT; older notation c.1841-7_1841-4dupTTTT).
Molecular consequence: intron variant.
Genome position (GRCh38, 1-based): chr5:55,947,593-55,947,596, AAAA duplicated on the plus strand (TTTT on the coding strand, the reverse complement: IL6ST is on the minus strand); duplicating any 4 consecutive bases within chr5:55,947,593-55,947,617 gives the same sequence; the c. name uses the placement nearest the transcript's 3' end. VCF-style (leftmost placement, unchanged base first): chr5-55947592-T-TAAAA. GRCh37 (hg19) VCF-style: chr5-55243420-T-TAAAA.
Other names: c.1631-7_1631-4dup (NM_001364276.2); c.845-7_845-4dup (NM_001364279.2); c.938-7_938-4dup (NM_001364278.2); c.974-7_974-4dup (NM_001364277.2); c.*768-7_*768-4dup (NM_175767.3); c.1658-7_1658-4dup (NM_001190981.2); c.1739-7_1739-4dup (NM_001364275.2).
Identifiers: ClinVar variation 3352520 (VCV003352520.3).
Genomic context (GRCh38, chr5:55,947,592, plus strand): 5'-GTTGTCAATAGGAATGCTAAGCAAACAGGCACGACTATGGCTTCAATTTCTCCTTGAGCT[T>TAAAA]AAAAAAAAAAAAAAAAAAAAAAAAAGAGGTGTGATGGGAAATAATGTTGACATATGAACT-3'